The following is an entry in ClinVar:

NM_007294.4(BRCA1):c.5556_5560del (p.Tyr1853fs)

Gene: BRCA1 (BRCA1 DNA repair associated; minus strand). Cytogenetic location: 17q21.31.
Variant type: Deletion.
Coding change: c.5556_5560del on transcript NM_007294.4 (MANE Select); coding-DNA positions 5556 to 5560, 5 bases deleted (CTACC; older notation c.5556_5560delCTACC).
Protein change: p.Tyr1853fs; shifts the reading frame from tyrosine 1853.
Molecular consequence: frameshift variant. On other transcripts: 3 prime UTR variant (1), non-coding transcript variant (1).
Genome position (GRCh38, 1-based): chr17:43,045,710-43,045,714, GGTAG deleted on the plus strand (CTACC on the coding strand, the reverse complement: BRCA1 is on the minus strand); deleting any 5 consecutive bases within chr17:43,045,710-43,045,715 gives the same sequence; the c. name uses the placement nearest the transcript's 3' end. VCF-style (leftmost placement, unchanged base first): chr17-43045709-AGGTAG-A. GRCh37 (hg19) VCF-style: chr17-41197726-AGGTAG-A.
Other names: 5675del5; c.2243_2247delCCTAC, p.Tyr749Aspfs (NM_001407984.1, NM_001407985.1, NM_001407986.1 and 11 more transcripts); c.2240_2244delCCTAC, p.Tyr748Aspfs (NM_001408392.1, NM_001408396.1, NM_001408397.1 and 7 more transcripts); c.2237_2241delCCTAC, p.Tyr747Aspfs (NM_001408406.1, NM_001408407.1, NM_001408408.1); c.2234_2238delCCTAC, p.Tyr746Aspfs (NM_001408409.1); c.2171_2175delCCTAC, p.Tyr725Aspfs (NM_001408410.1); c.2168_2172delCCTAC, p.Tyr724Aspfs (NM_001408411.1); c.2165_2169delCCTAC, p.Tyr723Aspfs (NM_001408412.1, NM_001408413.1, NM_001408414.1 and 2 more transcripts); and 79 more; short protein forms Y1853fs, Y1806fs, Y1874fs, Y749fs.
Identifiers: ClinVar variation 266564 (VCV000266564.18), dbSNP rs886040305, ClinGen allele CA10589579.
Genomic context (GRCh38, chr17:43,045,709, plus strand): 5'-TGTGGCTCTGTACCTGTGGCTGGCTGCAGTCAGTAGTGGCTGTGGGGGATCTGGGGTATC[AGGTAG>A]GTGTCCAGCTCCTGGCACTGGTAGAGTGCTACACTGTCCAACACCCACTCTCGGGTCACC-3'

ClinVar aggregate classification (germline): Pathogenic. Review status: reviewed by expert panel (3 of 4 stars). 6 submissions from 6 submitters: Pathogenic (1). 5 of the submissions do not count toward it. Last evaluated 2016-10-18.

Conditions:
Hereditary cancer-predisposing syndrome. Also called: Hereditary Cancer Syndrome; Neoplastic Syndromes, Hereditary; Hereditary neoplastic syndrome; Tumor predisposition. Identifiers: Orphanet 140162, MedGen C0027672, MeSH D009386, MONDO:0015356.
Hereditary breast ovarian cancer syndrome. Also called: Hereditary breast and ovarian cancer syndrome (HBOC); Breast and ovarian cancer; Hereditary breast and ovarian cancer syndrome; Hereditary breast and ovarian cancer; BRCA1- and BRCA2-Associated Hereditary Breast and Ovarian Cancer; Hereditary breast and/or ovarian cancer syndrome. Identifiers: Orphanet 145, MedGen C0677776, MeSH D061325, MONDO:0003582. Disease mechanism: loss of function.
Breast-ovarian cancer, familial, susceptibility to, 1 (BROVCA1). Also called: BRCA1 Hereditary Breast and Ovarian Cancer; OVARIAN CANCER, SUSCEPTIBILITY TO. Identifiers: Orphanet 145, MedGen C2676676, MONDO:0011450, OMIM 604370. Disease mechanism: loss of function.

Submissions (6):

Evidence-based Network for the Interpretation of Germline Mutant Alleles (ENIGMA)
Classification: Pathogenic for Breast-ovarian cancer, familial, susceptibility to, 1. Last evaluated: 2016-10-18. Review status: reviewed by expert panel. Criteria: ENIGMA BRCA1/2 Classification Criteria (2015). Collection method: curation. Allele origin: germline.
Comment: Variant allele predicted to encode a truncated non-functional protein.

Women's Health and Genetics/Laboratory Corporation of America, LabCorp
Classification: Pathogenic for Hereditary breast ovarian cancer syndrome. Last evaluated: 2024-11-15. Review status: criteria provided, single submitter. Criteria: LabCorp Variant Classification Summary - May 2015. Collection method: clinical testing. Allele origin: germline. Not counted in ClinVar's aggregate classification.
Comment: Variant summary: BRCA1 c.5556_5560delCTACC (p.Tyr1853AspfsX25) causes a frameshift which results in an extension of the protein. The variant was absent in 250374 control chromosomes. c.5556_5560delCTACC has been reported in the literature in individuals affected with Hereditary Breast And Ovarian Cancer Syndrome (example Rebbeck_2018 overlapping Fountzilas_2020). A different variant affecting the same codon has been classified as pathogenic by our lab (c.5558A>G, p.Tyr1853Cys), supporting the critical relevance of codon 1853 to BRCA1 protein function. To our knowledge, no experimental evidence demonstrating an impact on protein function has been reported. The following publications have been ascertained in the context of this evaluation (PMID: 31980407, 29446198). ClinVar contains an entry for this variant (Variation ID: 266564). Based on the evidence outlined above, the variant was classified as pathogenic.

Ambry Genetics
Classification: Pathogenic for Hereditary cancer-predisposing syndrome. Last evaluated: 2023-06-22. Review status: criteria provided, single submitter. Criteria: Ambry Variant Classification Scheme 2023. Collection method: clinical testing. Allele origin: germline. Not counted in ClinVar's aggregate classification.
Comment: The c.5556_5560delCTACC pathogenic mutation, located in coding exon 22 of the BRCA1 gene, results from a deletion of 5 nucleotides at nucleotide positions 5556 to 5560, causing a translational frameshift with a predicted alternate stop codon (p.Y1853Dfs*25). This alteration occurs at the 3' terminus of theBRCA1 gene, is not expected to trigger nonsense-mediated mRNAdecay and results in the elongation of the protein by 13 amino acids. This frameshift impacts the last 11amino acids of the native protein. However, frameshifts are typically deleterious in nature and the impacted region is critical for protein function (Ambry internal data). This alteration was identified in a large, worldwide study of BRCA1/2 mutation positive families (Rebbeck TR et al. Hum Mutat, 2018 May;39:593-620). This alteration has also been reported in a patient with early onset breast cancer (Fostira F et al. J Med Genet, 2020 Jan;57:53-61). This variant is considered to be rare based on population cohorts in the Genome Aggregation Database (gnomAD). Based on the supporting evidence, this alteration is interpreted as a disease-causing mutation.

Labcorp Genetics (formerly Invitae), Labcorp
Classification: Likely pathogenic for Hereditary breast ovarian cancer syndrome. Last evaluated: 2023-02-05. Review status: criteria provided, single submitter. Criteria: Invitae Variant Classification Sherloc (09022015). Collection method: clinical testing. Allele origin: germline. Not counted in ClinVar's aggregate classification.
Comment: This variant disrupts the BRCT domain, which is important for DNA repair activity (PMID: 11573086, 14576433, 15133503, 25652403). While functional studies have not been performed to directly test the effect of this variant on BRCA1 protein function, this suggests that disruption of this region of the protein is causative of disease. This sequence change results in a frameshift in the BRCA1 gene (p.Tyr1853Aspfs*25). While this is not anticipated to result in nonsense mediated decay, it is expected to disrupt the last 11 amino acid(s) of the BRCA1 protein and extend the protein by 13 additional amino acid residues. This variant is not present in population databases (gnomAD no frequency). This frameshift has been observed in individual(s) with clinical features of BRCA1-related conditions (PMID: 21520333). ClinVar contains an entry for this variant (Variation ID: 266564). In summary, the currently available evidence indicates that the variant is pathogenic, but additional data are needed to prove that conclusively. Therefore, this variant has been classified as Likely Pathogenic.

Baylor Genetics
Classification: Likely pathogenic for Breast-ovarian cancer, familial, susceptibility to, 1. Last evaluated: 2022-01-12. Review status: criteria provided, single submitter. Criteria: ACMG Guidelines, 2015. Collection method: clinical testing. Allele origin: unknown. Not counted in ClinVar's aggregate classification.

Consortium of Investigators of Modifiers of BRCA1/2 (CIMBA), c/o University of Cambridge
Classification: Pathogenic for Breast-ovarian cancer, familial, susceptibility to, 1. Last evaluated: 2015-10-02. Review status: criteria provided, single submitter. Criteria: CIMBA Mutation Classification guidelines May 2016. Collection method: clinical testing. Allele origin: germline. Not counted in ClinVar's aggregate classification.

Literature cited by the submitters: PubMed 29446198 (cited by Women's Health and Genetics/Laboratory Corporation of America, LabCorp and Ambry Genetics); PubMed 31980407 (cited by Women's Health and Genetics/Laboratory Corporation of America, LabCorp); PubMed 24845084 (cited by Ambry Genetics); PubMed 28781887 (cited by Ambry Genetics); PubMed 31300551 (cited by Ambry Genetics); PubMed 11573086 (cited by Labcorp Genetics (formerly Invitae), Labcorp); PubMed 14576433 (cited by Labcorp Genetics (formerly Invitae), Labcorp); PubMed 15133503 (cited by Labcorp Genetics (formerly Invitae), Labcorp); PubMed 25652403 (cited by Labcorp Genetics (formerly Invitae), Labcorp); PubMed 21520333 (cited by Labcorp Genetics (formerly Invitae), Labcorp).